The following is an entry in ClinVar:

ClinVar aggregate classification (germline): Pathogenic (1 of 4 stars; one submission).

Conditions:
Deafness-lymphedema-leukemia syndrome. Also called: Emberger syndrome; Lymphedema, primary, with myelodysplasia. Identifiers: Orphanet 3226, MedGen C3279664, MONDO:0013540, OMIM 614038.
GATA2 deficiency with susceptibility to MDS/AML. Identifiers: MedGen CN300066, MONDO:0042982.

Submission:

Molecular Pathology Research Laboratory, SA Pathology
Classification: Pathogenic for GATA2 deficiency with susceptibility to MDS/AML; Deafness-lymphedema-leukemia syndrome. Last evaluated: 2021-07-06. Review status: criteria provided, single submitter. Criteria: ACMG Guidelines, 2015. Collection method: curation. Allele origin: unknown. Inheritance: Autosomal dominant inheritance. Affected: yes. Observed: 1 variant allele.
Comment: PVS1, PS4_Supporting, PM2

Literature cited by the submitters: PubMed 26702063.

NM_032638.5(GATA2):c.932_937delinsG (p.Thr311fs)

Gene: GATA2 (GATA binding protein 2; minus strand). Cytogenetic location: 3q21.3.
Variant type: Indel.
Coding change: c.932_937delinsG on transcript NM_032638.5 (MANE Select); coding-DNA positions 932 to 937, CCGGCC replaced by G.
Protein change: p.Thr311fs; shifts the reading frame from threonine 311.
Molecular consequence: frameshift variant.
Genome position (GRCh38, 1-based): chr3:128,483,940-128,483,945, GGCCGG replaced by C on the plus strand (CCGGCC replaced by G on the coding strand, the reverse complement: GATA2 is on the minus strand). VCF-style: chr3-128483940-GGCCGG-C. GRCh37 (hg19) VCF-style: chr3-128202783-GGCCGG-C.
Other names: c.932_937delinsG, p.Thr311fs (NM_001145661.2, NM_001145662.1); short protein forms T311fs.
Identifiers: ClinVar variation 1184239 (VCV001184239.1), dbSNP rs2107670425, ClinGen allele CA2499216463.